The following is an entry in ClinVar:

NM_152415.3(VPS37A):c.31G>T (p.Ala11Ser)

Gene: VPS37A (VPS37A subunit of ESCRT-I; plus strand). Cytogenetic location: 8p22.
Variant type: single nucleotide variant.
Coding change: c.31G>T on transcript NM_152415.3 (MANE Select); coding-DNA position 31, G replaced by T.
Protein change: p.Ala11Ser; replaces alanine 11 with serine.
Molecular consequence: missense variant. On other transcripts: 5 prime UTR variant (5).
Genome position (GRCh38, 1-based): chr8:17,247,275, G>T. VCF-style: chr8-17247275-G-T. GRCh37 (hg19) VCF-style: chr8-17104784-G-T.
Other names: c.31G>T, p.Ala11Ser (NM_001145152.2, NM_001363167.1, NM_001363173.2); c.-285G>T (NM_001363168.1, NM_001363170.1, NM_001363172.2); c.-235G>T (NM_001363169.1, NM_001363171.1); short protein forms A11S.
Identifiers: ClinVar variation 1908094 (VCV001908094.5), dbSNP rs1216288063, ClinGen allele CA370403807.
Genomic context (GRCh38, chr8:17,247,275, plus strand): 5'-CAGGGCCTCCGGCCCGTGGACCCGAGGAGGATGAGCTGGCTTTTTCCCCTGACCAAGAGC[G>T]CCTCCTCCTCCGCGGCTGGGTCCCCCGGTGGCCTCACCAGCCTCCAGCAGCAGAAGCAGC-3'
Protein context (NP_689628.2, residues 1-21): MSWLFPLTKS[Ala11Ser]SSSAAGSPGG

ClinVar aggregate classification (germline): Uncertain significance (1 of 4 stars; one submission).

Conditions:
Hereditary spastic paraplegia 53. Also called: Spastic paraplegia 53, autosomal recessive. Identifiers: Orphanet 319199, MedGen C3539494, MONDO:0013962, OMIM 614898.

gnomAD v4.1: 3 of 1,568,848 alleles (0.00019%); highest among the groups gnomAD compares: East Asian, 0.0024%; no homozygotes.

Submission:

Labcorp Genetics (formerly Invitae), Labcorp
Classification: Uncertain significance for Hereditary spastic paraplegia 53. Last evaluated: 2024-08-19. Review status: criteria provided, single submitter. Criteria: Invitae Variant Classification Sherloc (09022015). Collection method: clinical testing. Allele origin: germline.
Comment: This sequence change replaces alanine, which is neutral and non-polar, with serine, which is neutral and polar, at codon 11 of the VPS37A protein (p.Ala11Ser). This variant is not present in population databases (gnomAD no frequency). This variant has not been reported in the literature in individuals affected with VPS37A-related conditions. ClinVar contains an entry for this variant (Variation ID: 1908094). An algorithm developed to predict the effect of missense changes on protein structure and function (PolyPhen-2) suggests that this variant is likely to be tolerated. In summary, the available evidence is currently insufficient to determine the role of this variant in disease. Therefore, it has been classified as a Variant of Uncertain Significance.